The following is an entry in ClinVar:

NM_019594.4(LRRC8A):c.2157+6del

Gene: LRRC8A (leucine rich repeat containing 8 VRAC subunit A; plus strand). Cytogenetic location: 9q34.11.
Variant type: Deletion.
Coding change: c.2157+6del on transcript NM_019594.4 (MANE Select); 6 bases into the intron after coding-DNA position 2157, one base deleted (T; older notation c.2157+6delT).
Molecular consequence: intron variant.
Genome position (GRCh38, 1-based): chr9:128,909,327, T deleted. VCF-style (leftmost placement, unchanged base first): chr9-128909326-GT-G. GRCh37 (hg19) VCF-style: chr9-131671605-GT-G.
Other names: c.2157+6del (NM_001127245.2, NM_001127244.2).
Identifiers: ClinVar variation 3659445 (VCV003659445.2).
Genomic context (GRCh38, chr9:128,909,326, plus strand): 5'-CTGCCGACATCGGCCTCCTGCAGAACCTCCAGAACCTAGCCATCACGGCCAACCGGGTGA[GT>G]GGCCCGGCCACAGCTCTGCGTGTGGGCTGGCGGGTGGCCTGGCCAGGGCTTGTGGTGGGG-3'

ClinVar aggregate classification (germline): Uncertain significance (1 of 4 stars; one submission).

Submission:

Labcorp Genetics (formerly Invitae), Labcorp
Classification: Uncertain significance. Last evaluated: 2024-07-13. Review status: criteria provided, single submitter. Criteria: Invitae Variant Classification Sherloc (09022015). Collection method: clinical testing. Allele origin: germline.
Comment: This sequence change falls in intron 3 of the LRRC8A gene. It does not directly change the encoded amino acid sequence of the LRRC8A protein. It affects a nucleotide within the consensus splice site. This variant is not present in population databases (gnomAD no frequency). This variant has not been reported in the literature in individuals affected with LRRC8A-related conditions. Variants that disrupt the consensus splice site are a relatively common cause of aberrant splicing (PMID: 17576681, 9536098). Algorithms developed to predict the effect of sequence changes on RNA splicing suggest that this variant is not likely to affect RNA splicing. In summary, the available evidence is currently insufficient to determine the role of this variant in disease. Therefore, it has been classified as a Variant of Uncertain Significance.

Literature cited by the submitters: PubMed 17576681; PubMed 9536098.